The following is an entry in ClinVar:

ClinVar aggregate classification (germline): Conflicting classifications of pathogenicity. Review status: criteria provided, conflicting classifications (1 of 4 stars). 5 submissions from 5 submitters: Uncertain significance (4); Likely benign (1). Last evaluated 2023-02-17.

Conditions:
NCF4-related disorder. Also called: NCF4-related condition.
Granulomatous disease, chronic, autosomal recessive, cytochrome b-positive, type 3. Also called: GRANULOMATOUS DISEASE, CHRONIC, DUE TO NCF4 DEFICIENCY; Granulomatous disease, chronic, autosomal recessive, cytochrome b-positive, type III; GRANULOMATOUS DISEASE, CHRONIC, AUTOSOMAL RECESSIVE, 3; CGD, AUTOSOMAL RECESSIVE CYTOCHROME b-POSITIVE, TYPE III. Identifiers: Orphanet 379, MedGen C3151409, MONDO:0013507, OMIM 613960.

Allele frequency attached by ClinVar (database versions not stated): 1000 Genomes Project 30x 0.00047; TOPMed 0.00055; 1000 Genomes Project 0.00060; gnomAD 0.00060 and 0.00064; gnomAD exomes 0.00061 and 0.00073; ExAC 0.00065; ESP Exome Variant Server 0.00085.
gnomAD v4.1: 1,151 of 1,612,378 alleles (0.071%); highest among the groups gnomAD compares: Non-Finnish European, 0.084%; 2 homozygotes.

Submissions (5):

Women's Health and Genetics/Laboratory Corporation of America, LabCorp
Classification: Likely benign. Last evaluated: 2023-02-17. Review status: criteria provided, single submitter. Criteria: LabCorp Variant Classification Summary - May 2015. Collection method: clinical testing. Allele origin: germline.
Comment: Variant summary: NCF4 c.647C>T (p.Thr216Met) results in a non-conservative amino acid change located in the SH3 domain (IPR001452) of the encoded protein sequence. Four of five in-silico tools predict a damaging effect of the variant on protein function. The variant allele was found at a frequency of 0.00061 in 249690 control chromosomes, predominantly at a frequency of 0.00093 within the Non-Finnish European subpopulation in the gnomAD database. The observed variant frequency within Non-Finnish European control individuals in the gnomAD database is approximately 4 fold of the estimated maximal expected allele frequency for a pathogenic variant in NCF4 causing Chronic Granulomatous Disease phenotype (0.00025), strongly suggesting that the variant is a benign polymorphism found primarily in populations of Non-Finnish European origin. c.647C>T has been reported in the literature in one individual affected with inflammatory bowel diseases (Denson_2018). Thes reports does not provide unequivocal conclusions about association of the variant with Chronic Granulomatous Disease. To our knowledge, no experimental evidence demonstrating an impact on protein function has been reported. Two ClinVar submitters (evaluation after 2014) cite this variant as uncertain significance. Based on the evidence outlined above, the variant was classified as likely benign.

PreventionGenetics, part of Exact Sciences
Classification: Uncertain significance for NCF4-related condition. Last evaluated: 2022-12-07. Review status: criteria provided, single submitter. Criteria: ACMG Guidelines, 2015. Collection method: clinical testing. Allele origin: germline.
Comment: The NCF4 c.647C>T variant is predicted to result in the amino acid substitution p.Thr216Met. This variant was reported in heterozygous state an individual with inflammatory bowel diseases (Denson et al 2018. PubMed ID: 29454792 Table 1). This variant is reported in 0.11% of alleles in individuals of European (Finnish) descent in gnomAD. At this time, the clinical significance of this variant is uncertain due to the absence of conclusive functional and genetic evidence.

Labcorp Genetics (formerly Invitae), Labcorp
Classification: Uncertain significance for Granulomatous disease, chronic, autosomal recessive, cytochrome b-positive, type 3. Last evaluated: 2022-11-01. Review status: criteria provided, single submitter. Criteria: Invitae Variant Classification Sherloc (09022015). Collection method: clinical testing. Allele origin: germline.
Comment: This sequence change replaces threonine, which is neutral and polar, with methionine, which is neutral and non-polar, at codon 216 of the NCF4 protein (p.Thr216Met). This variant is present in population databases (rs146911421, gnomAD 0.1%), and has an allele count higher than expected for a pathogenic variant. This missense change has been observed in individual(s) with Crohn's disease (PMID: 29454792). ClinVar contains an entry for this variant (Variation ID: 341555). Algorithms developed to predict the effect of missense changes on protein structure and function are either unavailable or do not agree on the potential impact of this missense change (SIFT: "Deleterious"; PolyPhen-2: "Probably Damaging"; Align-GVGD: "Class C0"). In summary, the available evidence is currently insufficient to determine the role of this variant in disease. Therefore, it has been classified as a Variant of Uncertain Significance.

Fulgent Genetics
Classification: Uncertain significance for Granulomatous disease, chronic, autosomal recessive, cytochrome b-positive, type 3. Last evaluated: 2022-04-27. Review status: criteria provided, single submitter. Criteria: ACMG Guidelines, 2015. Collection method: clinical testing. Allele origin: unknown.

Department of Pathology and Laboratory Medicine, Sinai Health System
Classification: Uncertain significance for Granulomatous disease, chronic, autosomal recessive, cytochrome b-positive, type 3. Last evaluated: 2021-12-27. Review status: criteria provided, single submitter. Criteria: ACMG Guidelines, 2015. Collection method: research. Allele origin: germline.

Literature cited by the submitters: PubMed 34547651 (cited by Women's Health and Genetics/Laboratory Corporation of America, LabCorp); PubMed 29454792 (cited by Women's Health and Genetics/Laboratory Corporation of America, LabCorp and Labcorp Genetics (formerly Invitae), Labcorp).

NM_000631.5(NCF4):c.647C>T (p.Thr216Met)

Gene: NCF4 (neutrophil cytosolic factor 4; plus strand). Cytogenetic location: 22q12.3.
Variant type: single nucleotide variant.
Coding change: c.647C>T on transcript NM_000631.5 (MANE Select); coding-DNA position 647, C replaced by T.
Protein change: p.Thr216Met; replaces threonine 216 with methionine.
Molecular consequence: missense variant.
Genome position (GRCh38, 1-based): chr22:36,875,672, C>T. VCF-style: chr22-36875672-C-T. GRCh37 (hg19) VCF-style: chr22-37271714-C-T.
Other names: c.647C>T, p.Thr216Met (NM_013416.4); short protein forms T216M.
Identifiers: ClinVar variation 341555 (VCV000341555.14), dbSNP rs146911421, ClinGen allele CA10213124.